The following is an entry in ClinVar:

NM_152695.6(ZNF449):c.899A>G (p.Glu300Gly)

Gene: ZNF449 (zinc finger protein 449; plus strand). Cytogenetic location: Xq26.3.
Variant type: single nucleotide variant.
Coding change: c.899A>G on transcript NM_152695.6 (MANE Select); coding-DNA position 899, A replaced by G.
Protein change: p.Glu300Gly; replaces glutamic acid 300 with glycine.
Molecular consequence: missense variant.
Genome position (GRCh38, 1-based): chrX:135,360,418, A>G. VCF-style: chrX-135360418-A-G. GRCh37 (hg19) VCF-style: chrX-134494343-A-G.
Other names: short protein forms E300G.
Identifiers: ClinVar variation 2661487 (VCV002661487.24), dbSNP rs782543098, ClinGen allele CA10523072.

ClinVar aggregate classification (germline): Likely benign (1 of 4 stars; one submission).

Allele frequency attached by ClinVar (database versions not stated): gnomAD 0.00001; TOPMed 0.00002; gnomAD exomes 0.00003; ExAC 0.00005.
gnomAD v4.1: 36 of 1,209,528 alleles (0.003%); highest among the groups gnomAD compares: Admixed American, 0.0088%; no homozygotes.

Submission:

CeGaT Center for Human Genetics Tuebingen
Classification: Likely benign. Last evaluated: 2023-04-01. Review status: criteria provided, single submitter. Criteria: CeGaT Center For Human Genetics Tuebingen Variant Classification Criteria Version 2. Collection method: clinical testing. Allele origin: germline. Affected: yes. Observed: 1 variant allele.
Comment: ZNF449: BP4, BS2